The following is an entry in ClinVar:

ClinVar aggregate classification (germline): Benign (1 of 4 stars; one submission).

Conditions:
Charcot-Marie-Tooth disease type 4H (CMT4H). Also called: CHARCOT-MARIE-TOOTH DISEASE, AUTOSOMAL RECESSIVE, TYPE 4H; CHARCOT-MARIE-TOOTH DISEASE, DEMYELINATING, AUTOSOMAL RECESSIVE, TYPE 4H; CHARCOT-MARIE-TOOTH NEUROPATHY, TYPE 4H; CHARCOT-MARIE-TOOTH DISEASE, DEMYELINATING, TYPE 4H. Identifiers: Orphanet 99954, MedGen C1836336, MONDO:0012250, OMIM 609311.

Allele frequency attached by ClinVar (database versions not stated): 1000 Genomes Project 0.00799; 1000 Genomes Project 30x 0.00812; TOPMed 0.01163; gnomAD 0.01533 and 0.01601; gnomAD exomes 0.08621.
gnomAD v4.1: 2,336 of 152,208 alleles (1.5%); highest among the groups gnomAD compares: Non-Finnish European, 1.5%; 35 homozygotes.

Submission:

Illumina Laboratory Services, Illumina
Classification: Benign for Charcot-Marie-Tooth disease type 4H. Last evaluated: 2018-01-13. Review status: criteria provided, single submitter. Criteria: ICSL Variant Classification Criteria 13 December 2019. Collection method: clinical testing. Allele origin: germline.
Comment: This variant was observed in the ICSL laboratory as part of a predisposition screen in an ostensibly healthy population. It had not been previously curated by ICSL or reported in the Human Gene Mutation Database (HGMD: prior to June 1st, 2018), and was therefore a candidate for classification through an automated scoring system. Utilizing variant allele frequency, disease prevalence and penetrance estimates, and inheritance mode, an automated score was calculated to assess if this variant is too frequent to cause the disease. Based on the score and internal cut-off values, a variant classified as benign is not then subjected to further curation. The score for this variant resulted in a classification of benign for this disease.

NM_001370298.3(FGD4):c.*2203T>C

Gene: FGD4 (FYVE, RhoGEF and PH domain containing 4; plus strand). Cytogenetic location: 12p11.21.
Variant type: single nucleotide variant.
Coding change: c.*2203T>C on transcript NM_001370298.3 (MANE Select); 2203 bases downstream of the stop codon, T replaced by C.
Molecular consequence: 3 prime UTR variant. On other transcripts: intron variant (3).
Genome position (GRCh38, 1-based): chr12:32,642,736, T>C. VCF-style: chr12-32642736-T-C. GRCh37 (hg19) VCF-style: chr12-32795670-T-C.
Other names: c.*2203T>C (NM_001304481.2, NM_001304484.2, NM_001330373.2 and 5 more transcripts); c.2633-1858T>C (NM_001384126.1); c.2222-1858T>C (NM_001384127.1, NM_001384128.1).
Identifiers: ClinVar variation 308330 (VCV000308330.5), dbSNP rs41276678, ClinGen allele CA10641862.